The following is an entry in ClinVar:

ClinVar aggregate classification (germline): Conflicting classifications of pathogenicity. Review status: criteria provided, conflicting classifications (1 of 4 stars). 6 submissions from 6 submitters: Uncertain significance (1); Benign (1); Likely benign (3). 1 of the submissions does not count toward it. Last evaluated 2026-05-01.

Conditions:
Corneal dystrophy-perceptive deafness syndrome (CDPD). Also called: HARBOYAN SYNDROME; CORNEAL DYSTROPHY AND SENSORINEURAL DEAFNESS. Identifiers: Orphanet 1490, MedGen C1857572, MONDO:0009015, OMIM 217400.
SLC4A11-related disorder. Also called: SLC4A11-related condition.
Corneal dystrophy. Identifiers: Orphanet 34533, MedGen C0010036, MONDO:0018102, HP:0001131.

Allele frequency attached by ClinVar (database versions not stated): ESP Exome Variant Server 0.00038; gnomAD 0.00099 and 0.00110; TOPMed 0.00131; 1000 Genomes Project 0.00180; 1000 Genomes Project 30x 0.00203.

Submissions (6):

CeGaT Center for Human Genetics Tuebingen
Classification: Likely benign. Last evaluated: 2026-05-01. Review status: criteria provided, single submitter. Criteria: CeGaT Center For Human Genetics Tuebingen Variant Classification Criteria Version 2. Collection method: clinical testing. Allele origin: germline. Affected: yes. Observed: 1 variant allele.
Comment: SLC4A11: BP4, BP7

Labcorp Genetics (formerly Invitae), Labcorp
Classification: Benign. Last evaluated: 2026-01-26. Review status: criteria provided, single submitter. Criteria: Invitae Variant Classification Sherloc (09022015). Collection method: clinical testing. Allele origin: germline.

Blueprint Genetics
Classification: Likely benign. Last evaluated: 2024-11-26. Review status: criteria provided, single submitter. Criteria: ACMG Guidelines, 2015. Collection method: clinical testing. Allele origin: germline.

PreventionGenetics, part of Exact Sciences
Classification: Likely benign for SLC4A11-related condition. Last evaluated: 2024-10-29. Review status: criteria provided, single submitter. Criteria: ACMG Guidelines, 2015. Collection method: clinical testing. Allele origin: germline.
Comment: This variant is classified as likely benign based on ACMG/AMP sequence variant interpretation guidelines (Richards et al. 2015 PMID: 25741868, with internal and published modifications).

Illumina Laboratory Services, Illumina
Classification: Uncertain significance for Corneal dystrophy. Last evaluated: 2017-04-27. Review status: criteria provided, single submitter. Criteria: ICSL Variant Classification Criteria 13 December 2019. Collection method: clinical testing. Allele origin: germline.

Natera, Inc.
Classification: Benign for Harboyan syndrome. Last evaluated: 2020-09-16. Review status: no assertion criteria provided. Collection method: clinical testing. Allele origin: germline. Not counted in ClinVar's aggregate classification.

NM_001174089.2(SLC4A11):c.1131C>T (p.Phe377=)

Gene: SLC4A11 (solute carrier family 4 member 11; minus strand). Cytogenetic location: 20p13.
Variant type: single nucleotide variant.
Coding change: c.1131C>T on transcript NM_001174089.2 (MANE Select); coding-DNA position 1131, C replaced by T.
Protein change: p.Phe377=; no amino-acid change (phenylalanine 377 retained).
Molecular consequence: synonymous variant. On other transcripts: non-coding transcript variant (1).
Genome position (GRCh38, 1-based): chr20:3,230,970, G>A on the plus strand (C>T on the coding strand, the complement: SLC4A11 is on the minus strand). VCF-style: chr20-3230970-G-A. GRCh37 (hg19) VCF-style: chr20-3211616-G-A.
Other names: c.1260C>T, p.Phe420= (NM_001174090.2); c.1131C>T, p.Phe377= (NM_001363745.2); c.1179C>T, p.Phe393= (NM_032034.4).
Identifiers: ClinVar variation 788622 (VCV000788622.18), dbSNP rs139297339, ClinGen allele CA9741987.